The following is an entry in ClinVar:

NM_001243925.2(MAPKAPK3):c.1100A>G (p.Lys367Arg)

Gene: MAPKAPK3 (MAPK activated protein kinase 3; plus strand). Cytogenetic location: 3p21.2.
Variant type: single nucleotide variant.
Coding change: c.1100A>G on transcript NM_001243925.2 (MANE Select); coding-DNA position 1100, A replaced by G.
Protein change: p.Lys367Arg; replaces lysine 367 with arginine.
Molecular consequence: missense variant.
Genome position (GRCh38, 1-based): chr3:50,647,997, A>G. VCF-style: chr3-50647997-A-G. GRCh37 (hg19) VCF-style: chr3-50685428-A-G.
Other names: c.1100A>G, p.Lys367Arg (NM_001243926.2, NM_004635.5); c.1100A>G (NM_004635.4); short protein forms K367R.
Identifiers: ClinVar variation 1404149 (VCV001404149.7), dbSNP rs758524278, ClinGen allele CA2420481.

ClinVar aggregate classification (germline): Uncertain significance. Review status: criteria provided, multiple submitters, no conflicts (2 of 4 stars). 2 submissions from 2 submitters: Uncertain significance (2). Last evaluated 2025-02-21.

Allele frequency attached by ClinVar (database versions not stated): gnomAD exomes below 0.00001 and 0.00001; ExAC 0.00002; gnomAD 0.00003 and 0.00004; TOPMed 0.00003.
gnomAD v4.1: 10 of 1,613,824 alleles (0.00062%); highest among the groups gnomAD compares: African/African-American, 0.008%; no homozygotes.

Submissions (2):

Ambry Genetics
Classification: Uncertain significance. Last evaluated: 2025-02-21. Review status: criteria provided, single submitter. Criteria: Ambry Variant Classification Scheme 2023. Collection method: clinical testing. Allele origin: germline.

Labcorp Genetics (formerly Invitae), Labcorp
Classification: Uncertain significance. Last evaluated: 2024-11-04. Review status: criteria provided, single submitter. Criteria: Invitae Variant Classification Sherloc (09022015). Collection method: clinical testing. Allele origin: germline.
Comment: This sequence change replaces lysine, which is basic and polar, with arginine, which is basic and polar, at codon 367 of the MAPKAPK3 protein (p.Lys367Arg). This variant is present in population databases (rs758524278, gnomAD 0.007%). This variant has not been reported in the literature in individuals affected with MAPKAPK3-related conditions. ClinVar contains an entry for this variant (Variation ID: 1404149). An algorithm developed to predict the effect of missense changes on protein structure and function (PolyPhen-2) suggests that this variant is likely to be tolerated. In summary, the available evidence is currently insufficient to determine the role of this variant in disease. Therefore, it has been classified as a Variant of Uncertain Significance.